The following is an entry in ClinVar:

NM_004820.5(CYP7B1):c.743G>T (p.Cys248Phe)

Gene: CYP7B1 (cytochrome P450 family 7 subfamily B member 1; minus strand). Cytogenetic location: 8q12.3.
Variant type: single nucleotide variant.
Coding change: c.743G>T on transcript NM_004820.5 (MANE Select); coding-DNA position 743, G replaced by T.
Protein change: p.Cys248Phe; replaces cysteine 248 with phenylalanine.
Molecular consequence: missense variant.
Genome position (GRCh38, 1-based): chr8:64,615,798, C>A on the plus strand (G>T on the coding strand, the complement: CYP7B1 is on the minus strand). VCF-style: chr8-64615798-C-A. GRCh37 (hg19) VCF-style: chr8-65528355-C-A.
Other names: c.743G>T, p.Cys248Phe (NM_001324112.2); short protein forms C248F.
Identifiers: ClinVar variation 3682791 (VCV003682791.2).

ClinVar aggregate classification (germline): Uncertain significance (1 of 4 stars; one submission).

Conditions:
Spastic paraplegia. Identifiers: MedGen C0037772, HP:0001258.

Submission:

Labcorp Genetics (formerly Invitae), Labcorp
Classification: Uncertain significance for Spastic paraplegia. Last evaluated: 2024-08-20. Review status: criteria provided, single submitter. Criteria: Invitae Variant Classification Sherloc (09022015). Collection method: clinical testing. Allele origin: germline.
Comment: This sequence change replaces cysteine, which is neutral and slightly polar, with phenylalanine, which is neutral and non-polar, at codon 248 of the CYP7B1 protein (p.Cys248Phe). This variant is not present in population databases (gnomAD no frequency). This variant has not been reported in the literature in individuals affected with CYP7B1-related conditions. Invitae Evidence Modeling of protein sequence and biophysical properties (such as structural, functional, and spatial information, amino acid conservation, physicochemical variation, residue mobility, and thermodynamic stability) indicates that this missense variant is not expected to disrupt CYP7B1 protein function with a negative predictive value of 80%. In summary, the available evidence is currently insufficient to determine the role of this variant in disease. Therefore, it has been classified as a Variant of Uncertain Significance.